The following is an entry in ClinVar:

NM_000081.4(LYST):c.1989CTC[1] (p.Ser666del)

Gene: LYST (lysosomal trafficking regulator; minus strand). Cytogenetic location: 1q42.3.
Variant type: Microsatellite.
Coding change: c.1989CTC[1] on transcript NM_000081.4 (MANE Select); one copy of the 3-base unit CTC starting at c.1989; the reference has two copies in a row; one copy, 3 bases deleted.
Protein change: p.Ser666del; deletes serine 666.
Molecular consequence: inframe deletion.
Genome position (GRCh38, 1-based): chr1:235,808,824-235,808,826, GAG deleted on the plus strand (CTC on the coding strand, the reverse complement: LYST is on the minus strand); deleting any 3 consecutive bases within chr1:235,808,824-235,808,829 gives the same sequence; the position shown is the placement nearest the transcript's 3' end. VCF-style (leftmost placement, unchanged base first): chr1-235808823-TGAG-T. GRCh37 (hg19) VCF-style: chr1-235972123-TGAG-T.
Other names: c.1989CTC[1], p.Ser666del (NM_001301365.1); short protein forms S666del.
Identifiers: ClinVar variation 4853814 (VCV004853814.1).

ClinVar aggregate classification (germline): Uncertain significance (1 of 4 stars; one submission).

Conditions:
Fetal anomalies with a likely genetic cause.

Submission:

Genetics Laboratory, Great Ormond Street Hospital NHS Foundation Trust, North Thames Genomic Laboratory Hub
Classification: Uncertain significance for Fetal anomalies with a likely genetic cause. Last evaluated: 2026-04-16. Review status: criteria provided, single submitter. Criteria: ACGS Best Practice Guidelines for Variant Classification in Rare Disease 2024 v1.2. Collection method: clinical testing. Allele origin: germline. Affected: yes.
Comment: PM2_moderate, PM4_moderate